The following is an entry in ClinVar:

ClinVar aggregate classification (germline): Uncertain significance (1 of 4 stars; one submission).

Conditions:
Developmental and epileptic encephalopathy, 27 (DEE27). Also called: Epileptic encephalopathy, early infantile, 27; GRIN2B-Related Neurodevelopmental Disorder. Identifiers: Orphanet 3451, MedGen C4015316, MONDO:0014505, OMIM 616139.
Intellectual developmental disorder, autosomal dominant 6, with or without seizures. Also called: Intellectual disability, autosomal dominant 6; GRIN2B-related developmental delay, intellectual disability and autism spectrum disorder. Identifiers: Orphanet 589547, MedGen C3151411, MONDO:0013509, OMIM 613970.

gnomAD v4.1: 3 of 1,610,194 alleles (0.00019%); highest among the groups gnomAD compares: Admixed American, 0.0017%; no homozygotes.

Submission:

Labcorp Genetics (formerly Invitae), Labcorp
Classification: Uncertain significance for Developmental and epileptic encephalopathy, 27; Intellectual developmental disorder, autosomal dominant 6, with or without seizures. Last evaluated: 2024-11-13. Review status: criteria provided, single submitter. Criteria: Invitae Variant Classification Sherloc (09022015). Collection method: clinical testing. Allele origin: germline.
Comment: This sequence change replaces valine, which is neutral and non-polar, with isoleucine, which is neutral and non-polar, at codon 441 of the GRIN2B protein (p.Val441Ile). This variant is not present in population databases (gnomAD no frequency). This variant has not been reported in the literature in individuals affected with GRIN2B-related conditions. Invitae Evidence Modeling of protein sequence and biophysical properties (such as structural, functional, and spatial information, amino acid conservation, physicochemical variation, residue mobility, and thermodynamic stability) indicates that this missense variant is not expected to disrupt GRIN2B protein function with a negative predictive value of 95%. In summary, the available evidence is currently insufficient to determine the role of this variant in disease. Therefore, it has been classified as a Variant of Uncertain Significance.

NM_000834.5(GRIN2B):c.1321G>A (p.Val441Ile)

Gene: GRIN2B (glutamate ionotropic receptor NMDA type subunit 2B; minus strand). Cytogenetic location: 12p13.1.
Variant type: single nucleotide variant.
Coding change: c.1321G>A on transcript NM_000834.5 (MANE Select); coding-DNA position 1321, G replaced by A.
Protein change: p.Val441Ile; replaces valine 441 with isoleucine.
Molecular consequence: missense variant.
Genome position (GRCh38, 1-based): chr12:13,616,462, C>T on the plus strand (G>A on the coding strand, the complement: GRIN2B is on the minus strand). VCF-style: chr12-13616462-C-T. GRCh37 (hg19) VCF-style: chr12-13769396-C-T.
Other names: c.1321G>A, p.Val441Ile (NM_001413992.1); short protein forms V441I.
Identifiers: ClinVar variation 3760503 (VCV003760503.2).